The following is an entry in ClinVar:

ClinVar aggregate classification (germline): Uncertain significance. Review status: criteria provided, multiple submitters, no conflicts (2 of 4 stars). 2 submissions from 2 submitters: Uncertain significance (2). Last evaluated 2025-09-11.

Conditions:
Hereditary diffuse gastric adenocarcinoma (HDGC). Also called: DIFFUSE GASTRIC AND LOBULAR BREAST CANCER SYNDROME. Identifiers: Orphanet 26106, MedGen C1708349, MONDO:0007648, OMIM 137215.
Hereditary cancer-predisposing syndrome. Also called: Hereditary Cancer Syndrome; Neoplastic Syndromes, Hereditary; Hereditary neoplastic syndrome; Tumor predisposition. Identifiers: Orphanet 140162, MedGen C0027672, MeSH D009386, MONDO:0015356.

Allele frequency attached by ClinVar (database versions not stated): ExAC 0.00001; gnomAD exomes 0.00001.
gnomAD v4.1: 5 of 1,614,274 alleles (0.00031%); highest among the groups gnomAD compares: Non-Finnish European, 0.000085%; no homozygotes.

Submissions (2):

Ambry Genetics
Classification: Uncertain significance for Hereditary cancer-predisposing syndrome. Last evaluated: 2025-09-11. Review status: criteria provided, single submitter. Criteria: Ambry Variant Classification Scheme 2023. Collection method: clinical testing. Allele origin: germline.
Comment: The p.I521M variant (also known as c.1563A>G), located in coding exon 10 of the CDH1 gene, results from an A to G substitution at nucleotide position 1563. The isoleucine at codon 521 is replaced by methionine, an amino acid with highly similar properties. This variant was detected as heterozygous in individual(s) with no reported features of CDH1-related diffuse gastric and lobular breast cancer (DGLBC)(Ambry internal data). This amino acid position is well conserved in available vertebrate species. In addition, the in silico prediction for this alteration is inconclusive. Based on the available evidence, the clinical significance of this variant remains unclear.

Labcorp Genetics (formerly Invitae), Labcorp
Classification: Uncertain significance for Hereditary diffuse gastric adenocarcinoma. Last evaluated: 2024-11-24. Review status: criteria provided, single submitter. Criteria: Invitae Variant Classification Sherloc (09022015). Collection method: clinical testing. Allele origin: germline.
Comment: This sequence change replaces isoleucine, which is neutral and non-polar, with methionine, which is neutral and non-polar, at codon 521 of the CDH1 protein (p.Ile521Met). This variant is present in population databases (rs761162838, gnomAD 0.004%). This variant has not been reported in the literature in individuals affected with CDH1-related conditions. ClinVar contains an entry for this variant (Variation ID: 819519). An algorithm developed to predict the effect of missense changes on protein structure and function (PolyPhen-2) suggests that this variant is likely to be disruptive. In summary, the available evidence is currently insufficient to determine the role of this variant in disease. Therefore, it has been classified as a Variant of Uncertain Significance.

NM_004360.5(CDH1):c.1563A>G (p.Ile521Met)

Gene: CDH1 (cadherin 1; plus strand). Cytogenetic location: 16q22.1.
Variant type: single nucleotide variant.
Coding change: c.1563A>G on transcript NM_004360.5 (MANE Select); coding-DNA position 1563, A replaced by G.
Protein change: p.Ile521Met; replaces isoleucine 521 with methionine.
Molecular consequence: missense variant. On other transcripts: 5 prime UTR variant (1).
Genome position (GRCh38, 1-based): chr16:68,815,757, A>G. VCF-style: chr16-68815757-A-G. GRCh37 (hg19) VCF-style: chr16-68849660-A-G.
Other names: c.1380A>G, p.Ile460Met (NM_001317184.2); c.15A>G, p.Ile5Met (NM_001317185.2); c.-257A>G (NM_001317186.2); short protein forms I460M, I521M, I5M.
Identifiers: ClinVar variation 819519 (VCV000819519.14), dbSNP rs761162838, ClinGen allele CA8130092.